The following is an entry in ClinVar:

NM_000441.2(SLC26A4):c.1552T>C (p.Trp518Arg)

Gene: SLC26A4 (solute carrier family 26 member 4; plus strand). Cytogenetic location: 7q22.3.
Variant type: single nucleotide variant.
Coding change: c.1552T>C on transcript NM_000441.2 (MANE Select); coding-DNA position 1552, T replaced by C.
Protein change: p.Trp518Arg; replaces tryptophan 518 with arginine.
Molecular consequence: missense variant.
Genome position (GRCh38, 1-based): chr7:107,698,049, T>C. VCF-style: chr7-107698049-T-C. GRCh37 (hg19) VCF-style: chr7-107338494-T-C.
Other names: short protein forms W518R.
Identifiers: ClinVar variation 3601744 (VCV003601744.1).
Genomic context (GRCh38, chr7:107,698,049, plus strand): 5'-TTCCAAAATACGGCTGTTCCAAAAAATCTTGACCTTGATATTTTTTCTTCTAGTCCTTCT[T>C]GGAATGGCCTTGGAAGCATCCCTAGCACAGATATCTACAAAAGTACCAAGAATTACAAAA-3'
Protein context (NP_000432.1, residues 508-528): TVVLRVQFPS[Trp518Arg]NGLGSIPSTD

ClinVar aggregate classification (germline): Likely pathogenic (1 of 4 stars; one submission).

Conditions:
Autosomal recessive nonsyndromic hearing loss 4 (DFNB4). Also called: Deafness, autosomal recessive 4; FOXI1-Related Pendred Syndrome; KCNJ10-Related Pendred Syndrome; DEAFNESS, AUTOSOMAL RECESSIVE 4, WITH ENLARGED VESTIBULAR AQUEDUCT, DIGENIC; NEUROSENSORY NONSYNDROMIC RECESSIVE DEAFNESS 4; Nonsyndromic enlarged vestibular aqueduct (NSEVA). Identifiers: Orphanet 90636, MedGen C3538946, MONDO:0010933, OMIM 600791.

Submission:

Institute of Rare Diseases, West China Hospital, Sichuan University
Classification: Likely pathogenic for Autosomal recessive nonsyndromic hearing loss 4. Last evaluated: 2025-01-09. Review status: criteria provided, single submitter. Criteria: ClinGen HL ACMG Specifications v1. Collection method: research. Allele origin: germline. Affected: yes.
Comment: PM3_Strong;PP1;PP4;PM2_Supporting;PP3